The following is an entry in ClinVar:

NM_003482.4(KMT2D):c.181G>A (p.Gly61Ser)

Gene: KMT2D (lysine methyltransferase 2D; minus strand). Cytogenetic location: 12q13.12.
Variant type: single nucleotide variant.
Coding change: c.181G>A on transcript NM_003482.4 (MANE Select); coding-DNA position 181, G replaced by A.
Protein change: p.Gly61Ser; replaces glycine 61 with serine.
Molecular consequence: missense variant.
Genome position (GRCh38, 1-based): chr12:49,054,747, C>T on the plus strand (G>A on the coding strand, the complement: KMT2D is on the minus strand). VCF-style: chr12-49054747-C-T. GRCh37 (hg19) VCF-style: chr12-49448530-C-T.
Other names: short protein forms G61S.
Identifiers: ClinVar variation 1033586 (VCV001033586.11), dbSNP rs1938304119, ClinGen allele CA384689395.

ClinVar aggregate classification (germline): Conflicting classifications of pathogenicity. Review status: criteria provided, conflicting classifications (1 of 4 stars). 4 submissions from 4 submitters: Uncertain significance (3); Likely benign (1). Last evaluated 2026-02-12.

Conditions:
Choanal atresia-athelia-hypothyroidism-delayed puberty-short stature syndrome (BCAHH). Also called: BRANCHIAL ARCH ABNORMALITIES, CHOANAL ATRESIA, ATHELIA, HEARING LOSS, AND HYPOTHYROIDISM SYNDROME. Identifiers: Orphanet 589856, MedGen C5680310, MONDO:0035651, OMIM 620186.
Kabuki syndrome 1 (KABUK1). Also called: KMT2D-Related Kabuki Syndrome. Identifiers: Orphanet 2322, MedGen CN030661, MONDO:0007843, OMIM 147920.
KMT2D-related disorder. Also called: KMT2D-Related Disorders.
Kabuki syndrome. Also called: Kabuki make-up syndrome; NIIKAWA-KUROKI SYNDROME. Identifiers: Orphanet 2322, MedGen C0796004, MONDO:0016512.

Allele frequency attached by ClinVar (database versions not stated): gnomAD 0.00001; TOPMed 0.00001.
gnomAD v4.1: 3 of 1,613,776 alleles (0.00019%); highest among the groups gnomAD compares: Admixed American, 0.0017%; no homozygotes.

Submissions (4):

PreventionGenetics, part of Exact Sciences
Classification: Uncertain significance for KMT2D-related condition. Last evaluated: 2026-02-12. Review status: criteria provided, single submitter. Criteria: ACMG Guidelines, 2015. Collection method: clinical testing. Allele origin: germline.
Comment: The KMT2D c.181G>A variant is predicted to result in the amino acid substitution p.Gly61Ser. This variant has been reported to be de novo in an individual with autism spectrum disorder (Table S20, Fu et al 2022. PubMed ID: 35982160). This variant has not been reported in a large population database, indicating it is rare. Statistical evidence in gnomAD suggests the KMT2D gene is intolerant of missense variation. This variant has conflicting interpretations in ClinVar ranging from likely benign to uncertain (ClinVar ID: 1033586). At this time, the clinical significance of this variant is uncertain due to the absence of conclusive functional and genetic evidence.

Fulgent Genetics
Classification: Uncertain significance for Kabuki syndrome 1; Choanal atresia-athelia-hypothyroidism-delayed puberty-short stature syndrome. Last evaluated: 2024-02-21. Review status: criteria provided, single submitter. Criteria: ACMG Guidelines, 2015. Collection method: clinical testing. Allele origin: germline.

Labcorp Genetics (formerly Invitae), Labcorp
Classification: Likely benign for Kabuki syndrome. Last evaluated: 2022-11-30. Review status: criteria provided, single submitter. Criteria: Invitae Variant Classification Sherloc (09022015). Collection method: clinical testing. Allele origin: germline.

Baylor Genetics
Classification: Uncertain significance for Kabuki syndrome 1. Last evaluated: 2018-12-19. Review status: criteria provided, single submitter. Criteria: ACMG Guidelines, 2015. Collection method: clinical testing. Allele origin: maternal. Affected: yes.
Comment: This variant was determined to be of uncertain significance according to ACMG Guidelines, 2015 [PMID:25741868].